The following is an entry in ClinVar:

NM_006929.5(SKIC2):c.1079C>T (p.Ser360Leu)

Genes: SKIC2 (SKI2 subunit of superkiller complex; plus strand), LOC126859653 (CDK7 strongly-dependent group 2 enhancer GRCh37_chr6:31929542-31930741; plus strand). Cytogenetic location: 6p21.33.
Variant type: single nucleotide variant.
Coding change: c.1079C>T on transcript NM_006929.5 (MANE Select); coding-DNA position 1079, C replaced by T.
Protein change: p.Ser360Leu; replaces serine 360 with leucine.
Molecular consequence: missense variant.
Genome position (GRCh38, 1-based): chr6:31,962,453, C>T. VCF-style: chr6-31962453-C-T. GRCh37 (hg19) VCF-style: chr6-31930230-C-T.
Other names: short protein forms S360L.
Identifiers: ClinVar variation 2916154 (VCV002916154.1), dbSNP rs751726656, ClinGen allele CA3729350.
Genomic context (GRCh38, chr6:31,962,453, plus strand): 5'-CCATGAGTCTGCGGAGGGACTGGCTAACTTCATGCTCTCTTCCCAGCACCATCTACACTT[C>T]GCCCATCAAGGCCCTGAGCAACCAGAAGTTCCGGGACTTCCGAAACACATTCGGGGATGT-3'
Protein context (NP_008860.4, residues 350-370): QKHMTRTIYT[Ser360Leu]PIKALSNQKF

ClinVar aggregate classification (germline): Uncertain significance (1 of 4 stars; one submission).

Allele frequency attached by ClinVar (database versions not stated): TOPMed below 0.00001; ExAC 0.00001; gnomAD 0.00001; gnomAD exomes 0.00001.
gnomAD v4.1: 13 of 1,614,006 alleles (0.00081%); highest among the groups gnomAD compares: Admixed American, 0.0017%; no homozygotes.

Submission:

Labcorp Genetics (formerly Invitae), Labcorp
Classification: Uncertain significance. Last evaluated: 2024-01-06. Review status: criteria provided, single submitter. Criteria: Invitae Variant Classification Sherloc (09022015). Collection method: clinical testing. Allele origin: germline.
Comment: This sequence change replaces serine, which is neutral and polar, with leucine, which is neutral and non-polar, at codon 360 of the SKIV2L protein (p.Ser360Leu). This variant is present in population databases (rs751726656, gnomAD 0.003%). This variant has not been reported in the literature in individuals affected with SKIV2L-related conditions. An algorithm developed to predict the effect of missense changes on protein structure and function (PolyPhen-2) suggests that this variant is likely to be disruptive. In summary, the available evidence is currently insufficient to determine the role of this variant in disease. Therefore, it has been classified as a Variant of Uncertain Significance.